The following is an entry in ClinVar:

NM_004356.4(CD81):c.106C>T (p.Arg36Cys)

Gene: CD81 (CD81 molecule; plus strand). Cytogenetic location: 11p15.5.
Variant type: single nucleotide variant.
Coding change: c.106C>T on transcript NM_004356.4 (MANE Select); coding-DNA position 106, C replaced by T.
Protein change: p.Arg36Cys; replaces arginine 36 with cysteine.
Molecular consequence: missense variant. On other transcripts: 5 prime UTR variant (1).
Genome position (GRCh38, 1-based): chr11:2,390,451, C>T. VCF-style: chr11-2390451-C-T. GRCh37 (hg19) VCF-style: chr11-2411681-C-T.
Other names: c.-108C>T (NM_001297649.2); short protein forms R36C.
Identifiers: ClinVar variation 1938345 (VCV001938345.5), dbSNP rs772052611, ClinGen allele CA5819836.

ClinVar aggregate classification (germline): Uncertain significance (1 of 4 stars; one submission).

Allele frequency attached by ClinVar (database versions not stated): ExAC 0.00001; gnomAD exomes 0.00001; TOPMed 0.00001.
gnomAD v4.1: 11 of 1,612,944 alleles (0.00068%); highest among the groups gnomAD compares: East Asian, 0.0045%; no homozygotes.

Submission:

Labcorp Genetics (formerly Invitae), Labcorp
Classification: Uncertain significance. Last evaluated: 2025-07-07. Review status: criteria provided, single submitter. Criteria: Invitae Variant Classification Sherloc (09022015). Collection method: clinical testing. Allele origin: germline.
Comment: This sequence change replaces arginine, which is basic and polar, with cysteine, which is neutral and slightly polar, at codon 36 of the CD81 protein (p.Arg36Cys). This variant is present in population databases (rs772052611, gnomAD 0.006%). This variant has not been reported in the literature in individuals affected with CD81-related conditions. ClinVar contains an entry for this variant (Variation ID: 1938345). An algorithm developed to predict the effect of missense changes on protein structure and function (PolyPhen-2) suggests that this variant is likely to be disruptive. In summary, the available evidence is currently insufficient to determine the role of this variant in disease. Therefore, it has been classified as a Variant of Uncertain Significance.